The following is an entry in ClinVar:

ClinVar aggregate classification (germline): Uncertain significance (1 of 4 stars; one submission).

Conditions:
TTC8-related disorder. Also called: TTC8-related condition.

gnomAD v4.1: 5 of 1,542,202 alleles (0.00032%); highest among the groups gnomAD compares: African/African-American, 0.0014%; no homozygotes.

Submission:

PreventionGenetics, part of Exact Sciences
Classification: Uncertain significance for TTC8-related condition. Last evaluated: 2024-10-07. Review status: criteria provided, single submitter. Criteria: ACMG Guidelines, 2015. Collection method: clinical testing. Allele origin: germline.
Comment: The TTC8 c.-31C>T variant is located in the 5' untranslated region. To our knowledge, this variant has not been reported in the literature. This variant is reported in 0.0013% of alleles in individuals of European (non-Finnish) descent in gnomAD. At this time, the clinical significance of this variant is uncertain due to the absence of conclusive functional and genetic evidence.

NM_144596.4(TTC8):c.-31C>T

Gene: TTC8 (tetratricopeptide repeat domain 8; plus strand). Cytogenetic location: 14q31.3.
Variant type: single nucleotide variant.
Coding change: c.-31C>T on transcript NM_144596.4 (MANE Select); 31 bases upstream of the start codon, C replaced by T.
Molecular consequence: 5 prime UTR variant. On other transcripts: non-coding transcript variant (1).
Genome position (GRCh38, 1-based): chr14:88,824,677, C>T. VCF-style: chr14-88824677-C-T. GRCh37 (hg19) VCF-style: chr14-89291021-C-T.
Other names: c.-31C>T (NM_001288781.1, NM_001366535.2, NM_001366536.2 and 2 more transcripts); c.-593C>T (NM_001288782.1); c.-688C>T (NM_001288783.1).
Identifiers: ClinVar variation 4998915 (VCV004998915.1).